The following is an entry in ClinVar:

NM_001540.5(HSPB1):c.388G>A (p.Glu130Lys)

Gene: HSPB1 (heat shock protein family B (small) member 1; plus strand). Cytogenetic location: 7q11.23.
Variant type: single nucleotide variant.
Coding change: c.388G>A on transcript NM_001540.5 (MANE Select); coding-DNA position 388, G replaced by A.
Protein change: p.Glu130Lys; replaces glutamic acid 130 with lysine.
Molecular consequence: missense variant.
Genome position (GRCh38, 1-based): chr7:76,303,825, G>A. VCF-style: chr7-76303825-G-A. GRCh37 (hg19) VCF-style: chr7-75933142-G-A.
Other names: short protein forms E130K.
Identifiers: ClinVar variation 4847638 (VCV004847638.1).
Genomic context (GRCh38, chr7:76,303,825, plus strand): 5'-CCTCCCCCGCAGTCTGATTTCCCTCTTCCCCCCAAAGGCAAGCACGAGGAGCGGCAGGAC[G>A]AGCATGGCTACATCTCCCGGTGCTTCACGCGGAAATACACGTGAGTCCTGGCGCCAGGTC-3'
Protein context (NP_001531.1, residues 120-140): ITGKHEERQD[Glu130Lys]HGYISRCFTR

ClinVar aggregate classification (germline): Uncertain significance (1 of 4 stars; one submission).

gnomAD v4.1: 10 of 1,610,086 alleles (0.00062%); highest among the groups gnomAD compares: East Asian, 0.0022%; no homozygotes.

Submission:

Women's Health and Genetics/Laboratory Corporation of America, LabCorp
Classification: Uncertain significance. Last evaluated: 2026-03-27. Review status: criteria provided, single submitter. Criteria: LabCorp Variant Classification Summary - May 2015. Collection method: clinical testing. Allele origin: germline.
Comment: Variant summary: HSPB1 c.388G>A (p.Glu130Lys) results in a conservative amino acid change in the encoded protein sequence. Algorithms developed to predict the effect of missense changes on protein structure and function are either unavailable or do not agree on the potential impact of this missense change. The variant allele was found at a frequency of 4e-06 in 248938 control chromosomes. The available data on variant occurrences in the general population are insufficient to allow any conclusion about variant significance. To our knowledge, no occurrence of c.388G>A in individuals affected with HSPB1-related conditions and no experimental evidence demonstrating its impact on protein function have been reported. No submitters have cited clinical-significance assessments for this variant to ClinVar. Based on the evidence outlined above, the variant was classified as uncertain significance.